The following is an entry in ClinVar:

NM_005677.4(COLQ):c.1085T>C (p.Phe362Ser)

Gene: COLQ (collagen like tail subunit of asymmetric acetylcholinesterase; minus strand). Cytogenetic location: 3p25.1.
Variant type: single nucleotide variant.
Coding change: c.1085T>C on transcript NM_005677.4 (MANE Select); coding-DNA position 1085, T replaced by C.
Protein change: p.Phe362Ser; replaces phenylalanine 362 with serine.
Molecular consequence: missense variant.
Genome position (GRCh38, 1-based): chr3:15,456,009, A>G on the plus strand (T>C on the coding strand, the complement: COLQ is on the minus strand). VCF-style: chr3-15456009-A-G. GRCh37 (hg19) VCF-style: chr3-15497516-A-G.
Other names: c.1055T>C, p.Phe352Ser (NM_080538.2); c.983T>C, p.Phe328Ser (NM_080539.4); short protein forms F328S, F352S, F362S.
Identifiers: ClinVar variation 1422615 (VCV001422615.8), dbSNP rs754357969, ClinGen allele CA2275875.

ClinVar aggregate classification (germline): Uncertain significance (1 of 4 stars; one submission).

Conditions:
Congenital myasthenic syndrome 5. Identifiers: Orphanet 590, MedGen C1864233, MONDO:0011281, OMIM 603034.

Allele frequency attached by ClinVar (database versions not stated): gnomAD exomes below 0.00001; ExAC 0.00001.
gnomAD v4.1: 4 of 1,614,058 alleles (0.00025%); highest among the groups gnomAD compares: Non-Finnish European, 0.00034%; no homozygotes.

Submission:

Labcorp Genetics (formerly Invitae), Labcorp
Classification: Uncertain significance for Congenital myasthenic syndrome 5. Last evaluated: 2021-06-28. Review status: criteria provided, single submitter. Criteria: Invitae Variant Classification Sherloc (09022015). Collection method: clinical testing. Allele origin: germline.
Comment: In summary, the available evidence is currently insufficient to determine the role of this variant in disease. Therefore, it has been classified as a Variant of Uncertain Significance. This variant is present in population databases (rs754357969, ExAC 0.002%). This variant has not been reported in the literature in individuals with COLQ-related conditions. This sequence change replaces phenylalanine with serine at codon 362 of the COLQ protein (p.Phe362Ser). The phenylalanine residue is moderately conserved and there is a large physicochemical difference between phenylalanine and serine. Algorithms developed to predict the effect of missense changes on protein structure and function output the following: SIFT: "Tolerated"; PolyPhen-2: "Not Available"; Align-GVGD: "Class C0". The serine amino acid residue is found in multiple mammalian species, suggesting that this missense change does not adversely affect protein function. These predictions have not been confirmed by published functional studies and their clinical significance is uncertain.